The following is an entry in ClinVar:

ClinVar aggregate classification (germline): Likely benign. Review status: criteria provided, multiple submitters, no conflicts (2 of 4 stars). 5 submissions from 5 submitters: Likely benign (2). 3 of the submissions do not count toward it. Last evaluated 2025-05-01.

Allele frequency attached by ClinVar (database versions not stated): 1000 Genomes Project 0.00200; 1000 Genomes Project 30x 0.00203; TOPMed 0.00249; gnomAD 0.00256 and 0.00257; gnomAD exomes 0.00280 and 0.00445; ExAC 0.00290; ESP Exome Variant Server 0.00292.
gnomAD v4.1: 6,877 of 1,613,836 alleles (0.43%); highest among the groups gnomAD compares: Non-Finnish European, 0.5%; 23 homozygotes.

Submissions (5):

CeGaT Center for Human Genetics Tuebingen
Classification: Likely benign. Last evaluated: 2025-05-01. Review status: criteria provided, single submitter. Criteria: CeGaT Center For Human Genetics Tuebingen Variant Classification Criteria Version 2. Collection method: clinical testing. Allele origin: germline. Affected: yes. Observed: 1 variant allele.
Comment: TLL1: BP4, BS2

Blueprint Genetics
Classification: Likely benign. Last evaluated: 2024-11-26. Review status: criteria provided, single submitter. Criteria: ACMG Guidelines, 2015. Collection method: clinical testing. Allele origin: germline.

Clinical Genetics DNA and cytogenetics Diagnostics Lab, Erasmus MC, Erasmus Medical Center
Classification: Likely benign. Review status: no assertion criteria provided. Collection method: clinical testing. Allele origin: germline. Affected: yes. Study: VKGL Data-share Consensus. Not counted in ClinVar's aggregate classification.

Joint Genome Diagnostic Labs from Nijmegen and Maastricht, Radboudumc and MUMC+
Classification: Benign. Review status: no assertion criteria provided. Collection method: clinical testing. Allele origin: germline. Affected: yes. Study: VKGL Data-share Consensus. Not counted in ClinVar's aggregate classification.

Laboratory of Diagnostic Genome Analysis, Leiden University Medical Center (LUMC)
Classification: Likely benign. Review status: no assertion criteria provided. Collection method: clinical testing. Allele origin: germline. Affected: yes. Study: VKGL Data-share Consensus. Not counted in ClinVar's aggregate classification.

NM_012464.5(TLL1):c.811+6A>G

Gene: TLL1 (tolloid like 1; plus strand). Cytogenetic location: 4q32.3.
Variant type: single nucleotide variant.
Coding change: c.811+6A>G on transcript NM_012464.5 (MANE Select); 6 bases into the intron after coding-DNA position 811, A replaced by G.
Molecular consequence: intron variant.
Genome position (GRCh38, 1-based): chr4:166,003,575, A>G. VCF-style: chr4-166003575-A-G. GRCh37 (hg19) VCF-style: chr4-166924727-A-G.
Other names: c.811+6A>G (NM_001204760.2).
Identifiers: ClinVar variation 1206165 (VCV001206165.15), dbSNP rs143316816, ClinGen allele CA3130689.